The following is an entry in ClinVar:

NM_000069.3(CACNA1S):c.3323A>G (p.Gln1108Arg)

Gene: CACNA1S (calcium voltage-gated channel subunit alpha1 S; minus strand). Cytogenetic location: 1q32.1.
Variant type: single nucleotide variant.
Coding change: c.3323A>G on transcript NM_000069.3 (MANE Select); coding-DNA position 3323, A replaced by G.
Protein change: p.Gln1108Arg; replaces glutamine 1108 with arginine.
Molecular consequence: missense variant.
Genome position (GRCh38, 1-based): chr1:201,060,749, T>C on the plus strand (A>G on the coding strand, the complement: CACNA1S is on the minus strand). VCF-style: chr1-201060749-T-C. GRCh37 (hg19) VCF-style: chr1-201029877-T-C.
Other names: short protein forms Q1108R.
Identifiers: ClinVar variation 2931950 (VCV002931950.3), dbSNP rs909999331, ClinGen allele CA36006828.
Genomic context (GRCh38, chr1:201,060,749, plus strand): 5'-ATGAGGGCAAACATCAGGTATTCAAAGTAGGAGGAGGTGACAATGTACCACACCTGGTAC[T>C]GGTATGGGTTTTTGGGAATGTAGCACCTCAGTGGGCGGGCCTTCAGGGCATACTGTACAC-3'
Protein context (NP_000060.2, residues 1098-1118): LRCYIPKNPY[Gln1108Arg]YQVWYIVTSS

ClinVar aggregate classification (germline): Uncertain significance (1 of 4 stars; one submission).

Conditions:
Malignant hyperthermia, susceptibility to, 5 (MHS5). Also called: CACNA1S-Related Malignant Hyperthermia Susceptibility. Identifiers: Orphanet 423, MedGen C1866077, MONDO:0011163, OMIM 601887.
Hypokalemic periodic paralysis, type 1. Also called: HypoPP; Hypokalemic Periodic Paralysis Type 1 (AD). Identifiers: Orphanet 681, MedGen C3714580, MONDO:0042979, OMIM 170400.

Allele frequency attached by ClinVar (database versions not stated): gnomAD exomes below 0.00001.
gnomAD v4.1: 2 of 1,614,090 alleles (0.00012%); highest among the groups gnomAD compares: Non-Finnish European, 0.00017%; no homozygotes.

Submission:

Labcorp Genetics (formerly Invitae), Labcorp
Classification: Uncertain significance for Hypokalemic periodic paralysis, type 1; Malignant hyperthermia, susceptibility to, 5. Last evaluated: 2024-04-12. Review status: criteria provided, single submitter. Criteria: Invitae Variant Classification Sherloc (09022015). Collection method: clinical testing. Allele origin: germline.
Comment: This sequence change replaces glutamine, which is neutral and polar, with arginine, which is basic and polar, at codon 1108 of the CACNA1S protein (p.Gln1108Arg). This variant is not present in population databases (gnomAD no frequency). This variant has not been reported in the literature in individuals affected with CACNA1S-related conditions. Advanced modeling of protein sequence and biophysical properties (such as structural, functional, and spatial information, amino acid conservation, physicochemical variation, residue mobility, and thermodynamic stability) performed at Invitae indicates that this missense variant is not expected to disrupt CACNA1S protein function with a negative predictive value of 80%. In summary, the available evidence is currently insufficient to determine the role of this variant in disease. Therefore, it has been classified as a Variant of Uncertain Significance.